The following is an entry in ClinVar:

NM_001371928.1(AHDC1):c.2471G>A (p.Gly824Asp)

Gene: AHDC1 (AT-hook DNA binding motif containing 1; minus strand). Cytogenetic location: 1p36.11.
Variant type: single nucleotide variant.
Coding change: c.2471G>A on transcript NM_001371928.1 (MANE Select); coding-DNA position 2471, G replaced by A.
Protein change: p.Gly824Asp; replaces glycine 824 with aspartic acid.
Molecular consequence: missense variant.
Genome position (GRCh38, 1-based): chr1:27,549,645, C>T on the plus strand (G>A on the coding strand, the complement: AHDC1 is on the minus strand). VCF-style: chr1-27549645-C-T. GRCh37 (hg19) VCF-style: chr1-27876156-C-T.
Other names: c.2471G>A, p.Gly824Asp (NM_001029882.3); short protein forms G824D.
Identifiers: ClinVar variation 1310786 (VCV001310786.2), dbSNP rs2148277242, ClinGen allele CA339230461.

ClinVar aggregate classification (germline): Uncertain significance (1 of 4 stars; one submission).

Submission:

GeneDx
Classification: Uncertain significance. Last evaluated: 2019-12-04. Review status: criteria provided, single submitter. Criteria: GeneDx Variant Classification Process June 2021. Collection method: clinical testing. Allele origin: germline. Affected: yes.
Comment: Not observed in large population cohorts (Lek et al., 2016); In silico analysis, which includes protein predictors and evolutionary conservation, supports that this variant does not alter protein structure/function; Has not been previously published as pathogenic or benign to our knowledge